The following is an entry in ClinVar:

NM_003839.4(TNFRSF11A):c.1080A>T (p.Leu360Phe)

Gene: TNFRSF11A (TNF receptor superfamily member 11a; plus strand). Cytogenetic location: 18q21.33.
Variant type: single nucleotide variant.
Coding change: c.1080A>T on transcript NM_003839.4 (MANE Select); coding-DNA position 1080, A replaced by T.
Protein change: p.Leu360Phe; replaces leucine 360 with phenylalanine.
Molecular consequence: missense variant. On other transcripts: intron variant (3).
Genome position (GRCh38, 1-based): chr18:62,368,997, A>T. VCF-style: chr18-62368997-A-T. GRCh37 (hg19) VCF-style: chr18-60036230-A-T.
Other names: c.1038A>T, p.Leu346Phe (NM_001278268.2); c.783+2237A>T (NM_001270949.2); c.730+7204A>T (NM_001270950.2); c.616+8948A>T (NM_001270951.2); short protein forms L360F, L346F.
Identifiers: ClinVar variation 4765002 (VCV004765002.1).

ClinVar aggregate classification (germline): Uncertain significance (1 of 4 stars; one submission).

gnomAD v4.1: 2 of 1,614,240 alleles (0.00012%); highest among the groups gnomAD compares: African/African-American, 0.0013%; no homozygotes.

Submission:

Labcorp Genetics (formerly Invitae), Labcorp
Classification: Uncertain significance. Last evaluated: 2025-09-18. Review status: criteria provided, single submitter. Criteria: Invitae Variant Classification Sherloc (09022015). Collection method: clinical testing. Allele origin: germline.
Comment: This sequence change replaces leucine, which is neutral and non-polar, with phenylalanine, which is neutral and non-polar, at codon 360 of the TNFRSF11A protein (p.Leu360Phe). This variant is not present in population databases (gnomAD no frequency). This variant has not been reported in the literature in individuals affected with TNFRSF11A-related conditions. An algorithm developed to predict the effect of missense changes on protein structure and function (PolyPhen-2) suggests that this variant is likely to be tolerated. In summary, the available evidence is currently insufficient to determine the role of this variant in disease. Therefore, it has been classified as a Variant of Uncertain Significance.